The following is an entry in ClinVar:

NM_002332.3(LRP1):c.9174C>T (p.Asn3058=)

Gene: LRP1 (LDL receptor related protein 1; plus strand). Cytogenetic location: 12q13.3.
Variant type: single nucleotide variant.
Coding change: c.9174C>T on transcript NM_002332.3 (MANE Select); coding-DNA position 9174, C replaced by T.
Protein change: p.Asn3058=; no amino-acid change (asparagine 3058 retained).
Molecular consequence: synonymous variant.
Genome position (GRCh38, 1-based): chr12:57,197,556, C>T. VCF-style: chr12-57197556-C-T. GRCh37 (hg19) VCF-style: chr12-57591339-C-T.
Identifiers: ClinVar variation 3056482 (VCV003056482.2), dbSNP rs138786816, ClinGen allele CA6644630.

ClinVar aggregate classification (germline): Likely benign (0 of 4 stars; one submission).

Conditions:
LRP1-related disorder. Also called: LRP1-related condition.

Allele frequency attached by ClinVar (database versions not stated): ESP Exome Variant Server 0.00008; gnomAD exomes 0.00008; TOPMed 0.00017; 1000 Genomes Project 30x 0.00031; ExAC 0.00033; 1000 Genomes Project 0.00060.
gnomAD v4.1: 135 of 1,614,126 alleles (0.0084%); highest among the groups gnomAD compares: East Asian, 0.08%; no homozygotes.

Submission:

PreventionGenetics, part of Exact Sciences
Classification: Likely benign for LRP1-related condition. Last evaluated: 2019-08-07. Review status: no assertion criteria provided. Collection method: clinical testing. Allele origin: germline.
Comment: This variant is classified as likely benign based on ACMG/AMP sequence variant interpretation guidelines (Richards et al. 2015 PMID: 25741868, with internal and published modifications).